The following is an entry in ClinVar:

NM_024411.5(PDYN):c.568G>T (p.Ala190Ser)

Genes: PDYN (prodynorphin; minus strand), PDYN-AS1 (PDYN antisense RNA 1; plus strand). Cytogenetic location: 20p13.
Variant type: single nucleotide variant.
Coding change: c.568G>T on transcript NM_024411.5 (MANE Select); coding-DNA position 568, G replaced by T.
Protein change: p.Ala190Ser; replaces alanine 190 with serine.
Molecular consequence: missense variant.
Genome position (GRCh38, 1-based): chr20:1,980,520, C>A on the plus strand (G>T on the coding strand, the complement: PDYN is on the minus strand). VCF-style: chr20-1980520-C-A. GRCh37 (hg19) VCF-style: chr20-1961166-C-A.
Other names: c.568G>T (NM_024411.4); c.568G>T, p.Ala190Ser (NM_001190892.1, NM_001190898.3, NM_001190899.2 and 1 more transcripts); short protein forms A190S.
Identifiers: ClinVar variation 1353807 (VCV001353807.7), dbSNP rs2122307518, ClinGen allele CA408002862.

ClinVar aggregate classification (germline): Uncertain significance. Review status: criteria provided, multiple submitters, no conflicts (2 of 4 stars). 2 submissions from 2 submitters: Uncertain significance (2). Last evaluated 2025-04-22.

Conditions:
Inborn genetic diseases. Identifiers: MedGen C0950123, MeSH D030342.

Allele frequency attached by ClinVar (database versions not stated): gnomAD exomes below 0.00001.
gnomAD v4.1: 1 of 1,612,850 alleles (0.000062%); highest among the groups gnomAD compares: Admixed American, 0.0017%; no homozygotes.

Submissions (2):

Labcorp Genetics (formerly Invitae), Labcorp
Classification: Uncertain significance. Last evaluated: 2025-04-22. Review status: criteria provided, single submitter. Criteria: Invitae Variant Classification Sherloc (09022015). Collection method: clinical testing. Allele origin: germline.
Comment: This sequence change replaces alanine, which is neutral and non-polar, with serine, which is neutral and polar, at codon 190 of the PDYN protein (p.Ala190Ser). This variant is not present in population databases (gnomAD no frequency). This missense change has been observed in individual(s) with clinical features of spinocerebellar ataxia (internal data). ClinVar contains an entry for this variant (Variation ID: 1353807). Invitae Evidence Modeling of protein sequence and biophysical properties (such as structural, functional, and spatial information, amino acid conservation, physicochemical variation, residue mobility, and thermodynamic stability) has been performed for this missense variant. However, the output from this modeling did not meet the statistical confidence thresholds required to predict the impact of this variant on PDYN protein function. In summary, the available evidence is currently insufficient to determine the role of this variant in disease. Therefore, it has been classified as a Variant of Uncertain Significance.

Ambry Genetics
Classification: Uncertain significance for Inborn genetic diseases. Last evaluated: 2024-04-20. Review status: criteria provided, single submitter. Criteria: Ambry Variant Classification Scheme 2023. Collection method: clinical testing. Allele origin: germline.